The following is an entry in ClinVar:

NM_002075.4(GNB3):c.562A>C (p.Met188Leu)

Gene: GNB3 (G protein subunit beta 3; plus strand). Cytogenetic location: 12p13.31.
Variant type: single nucleotide variant.
Coding change: c.562A>C on transcript NM_002075.4 (MANE Select); coding-DNA position 562, A replaced by C.
Protein change: p.Met188Leu; replaces methionine 188 with leucine.
Molecular consequence: missense variant.
Genome position (GRCh38, 1-based): chr12:6,843,841, A>C. VCF-style: chr12-6843841-A-C. GRCh37 (hg19) VCF-style: chr12-6953005-A-C.
Other names: c.559A>C, p.Met187Leu (NM_001297571.2); c.562A>C (NM_002075.2); short protein forms M187L, M188L.
Identifiers: ClinVar variation 1019060 (VCV001019060.9), dbSNP rs782002919, ClinGen allele CA232398983.

ClinVar aggregate classification (germline): Uncertain significance. Review status: criteria provided, multiple submitters, no conflicts (2 of 4 stars). 2 submissions from 2 submitters: Uncertain significance (2). Last evaluated 2025-08-26.

Conditions:
Inborn genetic diseases. Identifiers: MedGen C0950123, MeSH D030342.

Submissions (2):

Ambry Genetics
Classification: Uncertain significance for Inborn genetic diseases. Last evaluated: 2025-08-26. Review status: criteria provided, single submitter. Criteria: Ambry Variant Classification Scheme 2023. Collection method: clinical testing. Allele origin: germline.

Labcorp Genetics (formerly Invitae), Labcorp
Classification: Uncertain significance. Last evaluated: 2022-07-19. Review status: criteria provided, single submitter. Criteria: Invitae Variant Classification Sherloc (09022015). Collection method: clinical testing. Allele origin: germline.
Comment: In summary, the available evidence is currently insufficient to determine the role of this variant in disease. Therefore, it has been classified as a Variant of Uncertain Significance. Algorithms developed to predict the effect of missense changes on protein structure and function (SIFT, PolyPhen-2, Align-GVGD) all suggest that this variant is likely to be tolerated. ClinVar contains an entry for this variant (Variation ID: 1019060). This variant has not been reported in the literature in individuals affected with GNB3-related conditions. This variant is not present in population databases (gnomAD no frequency). This sequence change replaces methionine, which is neutral and non-polar, with leucine, which is neutral and non-polar, at codon 188 of the GNB3 protein (p.Met188Leu).